The following is an entry in ClinVar:

ClinVar aggregate classification (germline): Uncertain significance (1 of 4 stars; one submission).

Conditions:
Neurodevelopmental disorder. Identifiers: MedGen C1535926, MeSH D065886, MONDO:0700092.

Submission:

Developmental Brain Disorders Lab, Seattle Children's Hospital
Classification: Uncertain significance for Neurodevelopmental disorder. Last evaluated: 2025-05-01. Review status: criteria provided, single submitter. Criteria: ACMG Guidelines, 2015. Collection method: research. Allele origin: de novo. Affected: yes.
Comment: This is a missense variant that is absent in gnomAD v4.1.0. It meets ACMG variant classification criteria (PM2) (PMID:25741868)

NM_001282874.2(SMARCA1):c.1680T>A (p.Phe560Leu)

Gene: SMARCA1 (SNF2 related chromatin remodeling ATPase 1; minus strand). Cytogenetic location: Xq25.
Variant type: single nucleotide variant.
Coding change: c.1680T>A on transcript NM_001282874.2 (MANE Select); coding-DNA position 1680, T replaced by A.
Protein change: p.Phe560Leu; replaces phenylalanine 560 with leucine.
Molecular consequence: missense variant.
Genome position (GRCh38, 1-based): chrX:129,492,076, A>T on the plus strand (T>A on the coding strand, the complement: SMARCA1 is on the minus strand). VCF-style: chrX-129492076-A-T. GRCh37 (hg19) VCF-style: chrX-128626053-A-T.
Other names: c.1644T>A, p.Phe548Leu (NM_001282875.2, NM_001378262.1, NM_001378263.1 and 1 more transcripts); c.1680T>A, p.Phe560Leu (NM_001378261.1, NM_003069.5); short protein forms F548L, F560L.
Identifiers: ClinVar variation 3901127 (VCV003901127.1).